The following is an entry in ClinVar:

ClinVar aggregate classification (germline): Uncertain significance (1 of 4 stars; one submission).

Conditions:
Parkinsonism-dystonia 3, childhood-onset (PKDYS3). Identifiers: MedGen C5676913, MONDO:0030676, OMIM 619738.

Submission:

Diagnostics Services (NGS), CSIR - Centre For Cellular And Molecular Biology
Classification: Uncertain significance for Parkinsonism-dystonia 3, childhood-onset. Last evaluated: 2022-12-21. Review status: criteria provided, single submitter. Criteria: ACMG Guidelines, 2015. Collection method: clinical testing. Allele origin: unknown. Affected: yes. Observed: 1 variant allele, 1 heterozygote.
Comment: The c.882C>A variant is not present in publicly available population databases like 1000 Genomes, ExAC, EVS, Indian Exome Database, gnomAD or our in-house exome database. This variant has neither been published nor reported to clinical databases like ClinVar, HGMD and OMIM in any affected individuals. In silico pathogenicity prediction programs like SIFT, PolyPhen-2, CADD etc predicted this variant to be likely deleterious, however these predictions were not confirmed by any published functional studies.

NM_015836.4(WARS2):c.882C>A (p.Ser294Arg)

Gene: WARS2 (tryptophanyl tRNA synthetase 2, mitochondrial; minus strand). Cytogenetic location: 1p12.
Variant type: single nucleotide variant.
Coding change: c.882C>A on transcript NM_015836.4 (MANE Select); coding-DNA position 882, C replaced by A.
Protein change: p.Ser294Arg; replaces serine 294 with arginine.
Molecular consequence: missense variant. On other transcripts: 3 prime UTR variant (2).
Genome position (GRCh38, 1-based): chr1:119,033,112, G>T on the plus strand (C>A on the coding strand, the complement: WARS2 is on the minus strand). VCF-style: chr1-119033112-G-T. GRCh37 (hg19) VCF-style: chr1-119575735-G-T.
Other names: c.813C>A, p.Ser271Arg (NM_001378226.1, NM_001378227.1); c.711C>A, p.Ser237Arg (NM_001378228.1); c.624C>A, p.Ser208Arg (NM_001378229.1); c.600C>A, p.Ser200Arg (NM_001378230.1); c.*217C>A (NM_001378231.1); c.*248C>A (NM_201263.2); short protein forms S200R, S208R, S237R, S271R, S294R.
Identifiers: ClinVar variation 1806490 (VCV001806490.3), dbSNP rs1165413282, ClinGen allele CA341436439.